The following is an entry in ClinVar:

ClinVar aggregate classification (germline): Uncertain significance. Review status: criteria provided, multiple submitters, no conflicts (2 of 4 stars). 2 submissions from 2 submitters: Uncertain significance (2). Last evaluated 2025-05-01.

Conditions:
Inborn genetic diseases. Identifiers: MedGen C0950123, MeSH D030342.

Allele frequency attached by ClinVar (database versions not stated): TOPMed below 0.00001; gnomAD 0.00001; gnomAD exomes 0.00001.
gnomAD v4.1: 10 of 1,612,820 alleles (0.00062%); highest among the groups gnomAD compares: South Asian, 0.0011%; no homozygotes.

Submissions (2):

GeneDx
Classification: Uncertain significance. Last evaluated: 2025-05-01. Review status: criteria provided, single submitter. Criteria: GeneDx Variant Classification Process June 2021. Collection method: clinical testing. Allele origin: germline. Affected: yes.
Comment: Not observed at significant frequency in large population cohorts (gnomAD); In silico analysis supports that this missense variant has a deleterious effect on protein structure/function; Has not been previously published as pathogenic or benign to our knowledge

Ambry Genetics
Classification: Uncertain significance for Inborn genetic diseases. Last evaluated: 2023-03-01. Review status: criteria provided, single submitter. Criteria: Ambry Variant Classification Scheme 2023. Collection method: clinical testing. Allele origin: germline.

NM_001365999.1(SZT2):c.8200C>T (p.Arg2734Trp)

Gene: SZT2 (SZT2 subunit of KICSTOR complex; plus strand). Cytogenetic location: 1p34.2.
Variant type: single nucleotide variant.
Coding change: c.8200C>T on transcript NM_001365999.1 (MANE Select); coding-DNA position 8200, C replaced by T.
Protein change: p.Arg2734Trp; replaces arginine 2734 with tryptophan.
Molecular consequence: missense variant.
Genome position (GRCh38, 1-based): chr1:43,442,867, C>T. VCF-style: chr1-43442867-C-T. GRCh37 (hg19) VCF-style: chr1-43908538-C-T.
Other names: c.8029C>T, p.Arg2677Trp (NM_015284.4); short protein forms R2677W, R2734W.
Identifiers: ClinVar variation 2492772 (VCV002492772.3), dbSNP rs1217496843, ClinGen allele CA340038094.